The following is an entry in ClinVar:

NM_080680.3(COL11A2):c.2322G>A (p.Lys774=)

Gene: COL11A2 (collagen type XI alpha 2 chain; minus strand). Cytogenetic location: 6p21.32.
Variant type: single nucleotide variant.
Coding change: c.2322G>A on transcript NM_080680.3 (MANE Select); coding-DNA position 2322, G replaced by A.
Protein change: p.Lys774=; no amino-acid change (lysine 774 retained).
Molecular consequence: synonymous variant.
Genome position (GRCh38, 1-based): chr6:33,175,628, C>T on the plus strand (G>A on the coding strand, the complement: COL11A2 is on the minus strand). VCF-style: chr6-33175628-C-T. GRCh37 (hg19) VCF-style: chr6-33143405-C-T.
Other names: c.2001G>A, p.Lys667= (NM_080679.3); c.2064G>A, p.Lys688= (NM_080681.3); c.2322G>A (NM_080680.2).
Identifiers: ClinVar variation 1546113 (VCV001546113.10), dbSNP rs201070936, ClinGen allele CA3750956.
Genomic context (GRCh38, chr6:33,175,628, plus strand): 5'-CATCACCTTCTCGCCCATGAGCCCTGGGGGCCCAGGGTCTCCAGTCGGTCCAGTGCGTCC[C>T]TTTGGCCCCTCAGGACCATCCTCTCCCCTGGAACCAGGGACTCCAACTTCGCCCTGTGTG-3'
Protein context (NP_542411.2, residues 764-784): SRGEDGPEGP[Lys774=]GRTGPTGDPG

ClinVar aggregate classification (germline): Likely benign. Review status: criteria provided, multiple submitters, no conflicts (2 of 4 stars). 3 submissions from 3 submitters: Likely benign (3). Last evaluated 2026-04-21.

Conditions:
COL11A2-related disorder. Also called: COL11A2-related condition; COL11A2-related disorders.

Allele frequency attached by ClinVar (database versions not stated): ExAC 0.00002; gnomAD exomes 0.00002 and 0.00009; TOPMed 0.00004; gnomAD 0.00006.
gnomAD v4.1: 148 of 1,612,904 alleles (0.0092%); highest among the groups gnomAD compares: Non-Finnish European, 0.012%; no homozygotes.

Submissions (3):

PreventionGenetics, part of Exact Sciences
Classification: Likely benign for COL11A2-related condition. Last evaluated: 2026-04-21. Review status: criteria provided, single submitter. Criteria: ACMG Guidelines, 2015. Collection method: clinical testing. Allele origin: germline.
Comment: This variant is classified as likely benign based on ACMG/AMP sequence variant interpretation guidelines (Richards et al. 2015 PMID: 25741868, with internal and published modifications).

Labcorp Genetics (formerly Invitae), Labcorp
Classification: Likely benign. Last evaluated: 2025-12-17. Review status: criteria provided, single submitter. Criteria: Invitae Variant Classification Sherloc (09022015). Collection method: clinical testing. Allele origin: germline.

Blueprint Genetics
Classification: Likely benign. Last evaluated: 2024-11-06. Review status: criteria provided, single submitter. Criteria: ACMG Guidelines, 2015. Collection method: clinical testing. Allele origin: germline.